The following is an entry in ClinVar:

ClinVar aggregate classification (germline): Uncertain significance (1 of 4 stars; one submission).

Submission:

Labcorp Genetics (formerly Invitae), Labcorp
Classification: Uncertain significance. Last evaluated: 2025-10-26. Review status: criteria provided, single submitter. Criteria: Invitae Variant Classification Sherloc (09022015). Collection method: clinical testing. Allele origin: germline.
Comment: This sequence change replaces serine, which is neutral and polar, with threonine, which is neutral and polar, at codon 340 of the HNF1B protein (p.Ser340Thr). This variant is not present in population databases (gnomAD no frequency). This variant has not been reported in the literature in individuals affected with HNF1B-related conditions. Invitae Evidence Modeling of protein sequence and biophysical properties (such as structural, functional, and spatial information, amino acid conservation, physicochemical variation, residue mobility, and thermodynamic stability) indicates that this missense variant is not expected to disrupt HNF1B protein function with a negative predictive value of 80%. In summary, the available evidence is currently insufficient to determine the role of this variant in disease. Therefore, it has been classified as a Variant of Uncertain Significance.

NM_000458.4(HNF1B):c.1019G>C (p.Ser340Thr)

Gene: HNF1B (HNF1 homeobox B; minus strand). Cytogenetic location: 17q12.
Variant type: single nucleotide variant.
Coding change: c.1019G>C on transcript NM_000458.4 (MANE Select); coding-DNA position 1019, G replaced by C.
Protein change: p.Ser340Thr; replaces serine 340 with threonine.
Molecular consequence: missense variant.
Genome position (GRCh38, 1-based): chr17:37,731,621, C>G on the plus strand (G>C on the coding strand, the complement: HNF1B is on the minus strand). VCF-style: chr17-37731621-C-G. GRCh37 (hg19) VCF-style: chr17-36091612-C-G.
Other names: c.941G>C, p.Ser314Thr (NM_001165923.4, NM_001304286.2); c.1019G>C, p.Ser340Thr (NM_001411100.1); short protein forms S314T, S340T.
Identifiers: ClinVar variation 4741865 (VCV004741865.1).